The following is an entry in ClinVar:

NM_000501.4(ELN):c.1946G>A (p.Gly649Glu)

Gene: ELN (elastin; plus strand). Cytogenetic location: 7q11.23.
Variant type: single nucleotide variant.
Coding change: c.1946G>A on transcript NM_000501.4 (MANE Select); coding-DNA position 1946, G replaced by A.
Protein change: p.Gly649Glu; replaces glycine 649 with glutamic acid.
Molecular consequence: missense variant.
Genome position (GRCh38, 1-based): chr7:74,063,648, G>A. VCF-style: chr7-74063648-G-A. GRCh37 (hg19) VCF-style: chr7-73477978-G-A.
Other names: c.1859G>A, p.Gly620Glu (NM_001081752.3); c.1904G>A, p.Gly635Glu (NM_001081753.3); c.1961G>A, p.Gly654Glu (NM_001081754.3); c.1889G>A, p.Gly630Glu (NM_001081755.3); c.1946G>A, p.Gly649Glu (NM_001278912.2); c.1703G>A, p.Gly568Glu (NM_001278913.2); c.1874G>A, p.Gly625Glu (NM_001278914.2); c.1964G>A, p.Gly655Glu (NM_001278915.2); and 5 more; short protein forms G560E, G601E, G620E, G625E, G635E, G639E, G711E, G568E.
Identifiers: ClinVar variation 1355624 (VCV001355624.9), dbSNP rs200041224, ClinGen allele CA4293312.
Genomic context (GRCh38, chr7:74,063,648, plus strand): 5'-CCAGCGGAGTCTAATGCTCAGCTGTCTCCACAGGCCTAGTGGGAGCCGCTGGGCTCGGAG[G>A]ACTCGGAGTCGGAGGGCTTGGAGTTCCAGGTGTTGGGGGCCTTGGAGGTGAGAGTTGTTC-3'
Protein context (NP_000492.2, residues 639-659): FGLVGAAGLG[Gly649Glu]LGVGGLGVPG

ClinVar aggregate classification (germline): Uncertain significance. Review status: criteria provided, multiple submitters, no conflicts (2 of 4 stars). 2 submissions from 2 submitters: Uncertain significance (2). Last evaluated 2022-08-06.

Conditions:
Inborn genetic diseases. Identifiers: MedGen C0950123, MeSH D030342.
Supravalvar aortic stenosis (SVAS). Also called: Supravalvar aortic stenosis, Eisenberg type. Identifiers: Orphanet 3193, MedGen C0003499, MONDO:0008504, OMIM 185500, HP:0004381.

Allele frequency attached by ClinVar (database versions not stated): 1000 Genomes Project 30x 0.00031.
gnomAD v4.1: 32 of 1,614,208 alleles (0.002%); highest among the groups gnomAD compares: African/African-American, 0.0027%; no homozygotes.

Submissions (2):

Labcorp Genetics (formerly Invitae), Labcorp
Classification: Uncertain significance for Supravalvar aortic stenosis. Last evaluated: 2022-08-06. Review status: criteria provided, single submitter. Criteria: Invitae Variant Classification Sherloc (09022015). Collection method: clinical testing. Allele origin: germline.
Comment: This variant is present in population databases (rs200041224, gnomAD 0.008%). This variant has not been reported in the literature in individuals affected with ELN-related conditions. ClinVar contains an entry for this variant (Variation ID: 1355624). Algorithms developed to predict the effect of missense changes on protein structure and function are either unavailable or do not agree on the potential impact of this missense change (SIFT: "Tolerated"; PolyPhen-2: "Not Available"; Align-GVGD: "Class C0"). In summary, the available evidence is currently insufficient to determine the role of this variant in disease. Therefore, it has been classified as a Variant of Uncertain Significance. This sequence change replaces glycine, which is neutral and non-polar, with glutamic acid, which is acidic and polar, at codon 711 of the ELN protein (p.Gly711Glu).

Ambry Genetics
Classification: Uncertain significance for Inborn genetic diseases. Last evaluated: 2022-03-16. Review status: criteria provided, single submitter. Criteria: Ambry Variant Classification Scheme 2023. Collection method: clinical testing. Allele origin: germline.